The following is an entry in ClinVar:

NM_003002.4(SDHD):c.190C>G (p.Leu64Val)

Gene: SDHD (succinate dehydrogenase complex subunit D; plus strand). Cytogenetic location: 11q23.1.
Variant type: single nucleotide variant.
Coding change: c.190C>G on transcript NM_003002.4 (MANE Select); coding-DNA position 190, C replaced by G.
Protein change: p.Leu64Val; replaces leucine 64 with valine.
Molecular consequence: missense variant. On other transcripts: non-coding transcript variant (1), intron variant (1).
Genome position (GRCh38, 1-based): chr11:112,088,887, C>G. VCF-style: chr11-112088887-C-G. GRCh37 (hg19) VCF-style: chr11-111959611-C-G.
Other names: c.73C>G, p.Leu25Val (NM_001276504.2); c.190C>G, p.Leu64Val (NM_001276506.2); c.169+914C>G (NM_001276503.2); c.190C>G (NM_003002.2); short protein forms L25V, L64V.
Identifiers: ClinVar variation 2952268 (VCV002952268.4), dbSNP rs1199609768, ClinGen allele CA382617191.
Genomic context (GRCh38, chr11:112,088,887, plus strand): 5'-TTTCTCACATCAACTTTTATGAATCTGGTCCTTTTTGTAGCTGGCTCCAAGGCTGCATCT[C>G]TCCACTGGACTAGCGAGAGGGTTGTCAGTGTTTTGCTCCTGGGTCTGCTTCCGGCTGCTT-3'
Protein context (NP_002993.1, residues 54-74): SHHSGSKAAS[Leu64Val]HWTSERVVSV

ClinVar aggregate classification (germline): Uncertain significance. Review status: criteria provided, multiple submitters, no conflicts (2 of 4 stars). 2 submissions from 2 submitters: Uncertain significance (2). Last evaluated 2026-02-28.

Conditions:
Hereditary cancer-predisposing syndrome. Also called: Tumor predisposition; Neoplastic Syndromes, Hereditary; Hereditary Cancer Syndrome; Hereditary neoplastic syndrome. Identifiers: Orphanet 140162, MedGen C0027672, MeSH D009386, MONDO:0015356.
Cowden syndrome 3 (CWS3). Identifiers: Orphanet 201, MedGen CN166604, MONDO:0014045.
Pheochromocytoma. Also called: MAX-Related Hereditary Paraganglioma-Pheochromocytoma Syndrome. Identifiers: Orphanet 29072, MedGen C0031511, MONDO:0008233, OMIM 171300, HP:0002666.
Carney-Stratakis syndrome. Also called: PARAGANGLIOMA AND GASTROINTESTINAL STROMAL TUMOR. Identifiers: Orphanet 97286, MedGen C1847319, MONDO:0011740, OMIM 606864.
Paragangliomas with sensorineural hearing loss. Identifiers: MedGen C1868633.

Submissions (2):

Ambry Genetics
Classification: Uncertain significance for Hereditary cancer-predisposing syndrome. Last evaluated: 2026-02-28. Review status: criteria provided, single submitter. Criteria: Ambry Variant Classification Scheme 2023. Collection method: clinical testing. Allele origin: germline.
Comment: The p.L64V variant (also known as c.190C>G), located in coding exon 3 of the SDHD gene, results from a C to G substitution at nucleotide position 190. The leucine at codon 64 is replaced by valine, an amino acid with highly similar properties. This amino acid position is conserved. In addition, the in silico prediction for this alteration is inconclusive. Based on the available evidence, the clinical significance of this variant remains unclear.

Labcorp Genetics (formerly Invitae), Labcorp
Classification: Uncertain significance for Carney-Stratakis syndrome; Paragangliomas with sensorineural hearing loss; Pheochromocytoma; Cowden syndrome 3. Last evaluated: 2023-09-26. Review status: criteria provided, single submitter. Criteria: Invitae Variant Classification Sherloc (09022015). Collection method: clinical testing. Allele origin: germline.
Comment: This sequence change replaces leucine, which is neutral and non-polar, with valine, which is neutral and non-polar, at codon 64 of the SDHD protein (p.Leu64Val). This variant is not present in population databases (gnomAD no frequency). This variant has not been reported in the literature in individuals affected with SDHD-related conditions. Algorithms developed to predict the effect of missense changes on protein structure and function output the following: SIFT: "Not Available"; PolyPhen-2: "Benign"; Align-GVGD: "Not Available". The valine amino acid residue is found in multiple mammalian species, which suggests that this missense change does not adversely affect protein function. In summary, the available evidence is currently insufficient to determine the role of this variant in disease. Therefore, it has been classified as a Variant of Uncertain Significance.